The following is an entry in ClinVar:

NM_000632.4(ITGAM):c.3124G>A (p.Glu1042Lys)

Gene: ITGAM (integrin subunit alpha M; plus strand). Cytogenetic location: 16p11.2.
Variant type: single nucleotide variant.
Coding change: c.3124G>A on transcript NM_000632.4 (MANE Select); coding-DNA position 3124, G replaced by A.
Protein change: p.Glu1042Lys; replaces glutamic acid 1042 with lysine.
Molecular consequence: missense variant.
Genome position (GRCh38, 1-based): chr16:31,330,371, G>A. VCF-style: chr16-31330371-G-A. GRCh37 (hg19) VCF-style: chr16-31341692-G-A.
Other names: c.3127G>A, p.Glu1043Lys (NM_001145808.2); short protein forms E1042K, E1043K.
Identifiers: ClinVar variation 4706533 (VCV004706533.1).

ClinVar aggregate classification (germline): Uncertain significance (1 of 4 stars; one submission).

gnomAD v4.1: 12 of 1,613,900 alleles (0.00074%); highest among the groups gnomAD compares: South Asian, 0.0011%; no homozygotes.

Submission:

Labcorp Genetics (formerly Invitae), Labcorp
Classification: Uncertain significance. Last evaluated: 2025-08-15. Review status: criteria provided, single submitter. Criteria: Invitae Variant Classification Sherloc (09022015). Collection method: clinical testing. Allele origin: germline.
Comment: This sequence change replaces glutamic acid, which is acidic and polar, with lysine, which is basic and polar, at codon 1042 of the ITGAM protein (p.Glu1042Lys). This variant is not present in population databases (gnomAD no frequency). This variant has not been reported in the literature in individuals affected with ITGAM-related conditions. An algorithm developed to predict the effect of missense changes on protein structure and function outputs the following: PolyPhen-2: "Benign". The lysine amino acid residue is found in multiple mammalian species, which suggests that this missense change does not adversely affect protein function. In summary, the available evidence is currently insufficient to determine the role of this variant in disease. Therefore, it has been classified as a Variant of Uncertain Significance.